The following is an entry in ClinVar:

ClinVar aggregate classification (germline): Uncertain significance (1 of 4 stars; one submission).

Conditions:
CHARGE syndrome (CHARGE). Also called: Hittner Hirsch Kreh syndrome; CHARGE ASSOCIATION--COLOBOMA, HEART ANOMALY, CHOANAL ATRESIA, RETARDATION, GENITAL AND EAR ANOMALIES; Coloboma, heart anomaly, choanal atresia, retardation, genital and ear anomalies; CHARGE association; Hall-Hittner syndrome. Identifiers: Orphanet 138, MedGen C0265354, MONDO:0008965.

Submission:

Labcorp Genetics (formerly Invitae), Labcorp
Classification: Uncertain significance for CHARGE syndrome. Last evaluated: 2024-09-20. Review status: criteria provided, single submitter. Criteria: Invitae Variant Classification Sherloc (09022015). Collection method: clinical testing. Allele origin: germline.
Comment: This sequence change replaces asparagine, which is neutral and polar, with serine, which is neutral and polar, at codon 1659 of the CHD7 protein (p.Asn1659Ser). This variant is not present in population databases (gnomAD no frequency). This variant has not been reported in the literature in individuals affected with CHD7-related conditions. Invitae Evidence Modeling of protein sequence and biophysical properties (such as structural, functional, and spatial information, amino acid conservation, physicochemical variation, residue mobility, and thermodynamic stability) has been performed for this missense variant. However, the output from this modeling did not meet the statistical confidence thresholds required to predict the impact of this variant on CHD7 protein function. In summary, the available evidence is currently insufficient to determine the role of this variant in disease. Therefore, it has been classified as a Variant of Uncertain Significance.

NM_017780.4(CHD7):c.4976A>G (p.Asn1659Ser)

Gene: CHD7 (chromodomain helicase DNA binding protein 7; plus strand). Cytogenetic location: 8q12.2.
Variant type: single nucleotide variant.
Coding change: c.4976A>G on transcript NM_017780.4 (MANE Select); coding-DNA position 4976, A replaced by G.
Protein change: p.Asn1659Ser; replaces asparagine 1659 with serine.
Molecular consequence: missense variant. On other transcripts: intron variant (1).
Genome position (GRCh38, 1-based): chr8:60,844,989, A>G. VCF-style: chr8-60844989-A-G. GRCh37 (hg19) VCF-style: chr8-61757548-A-G.
Other names: c.1717-17240A>G (NM_001316690.1); short protein forms N1659S.
Identifiers: ClinVar variation 3675151 (VCV003675151.2).
Genomic context (GRCh38, chr8:60,844,989, plus strand): 5'-TAGAAACCATCTGCAGAACCATCCTGGTGTACTGTCTTAATCATTACAAAGGGGATGAGA[A>G]TATCAAAAGCTTCATCTGGGATCTGATCACACCCACAGCGGATGGCCAGACTCGAGCCTT-3'
Protein context (NP_060250.2, residues 1649-1669): YCLNHYKGDE[Asn1659Ser]IKSFIWDLIT